The following is an entry in ClinVar:

NM_015295.3(SMCHD1):c.3778A>G (p.Ile1260Val)

Gene: SMCHD1 (structural maintenance of chromosomes flexible hinge domain containing 1; plus strand). Cytogenetic location: 18p11.32.
Variant type: single nucleotide variant.
Coding change: c.3778A>G on transcript NM_015295.3 (MANE Select); coding-DNA position 3778, A replaced by G.
Protein change: p.Ile1260Val; replaces isoleucine 1260 with valine.
Molecular consequence: missense variant.
Genome position (GRCh38, 1-based): chr18:2,743,905, A>G. VCF-style: chr18-2743905-A-G. GRCh37 (hg19) VCF-style: chr18-2743903-A-G.
Other names: c.3778A>G (NM_015295.2); short protein forms I1260V.
Identifiers: ClinVar variation 1370891 (VCV001370891.7), dbSNP rs191410697, ClinGen allele CA8871295.

ClinVar aggregate classification (germline): Uncertain significance. Review status: criteria provided, multiple submitters, no conflicts (2 of 4 stars). 2 submissions from 2 submitters: Uncertain significance (2). Last evaluated 2024-10-23.

Conditions:
Facioscapulohumeral muscular dystrophy 2 (FSHD2). Also called: MUSCULAR DYSTROPHY, FACIOSCAPULOHUMERAL, TYPE 1B; FACIOSCAPULOHUMERAL MUSCULAR DYSTROPHY 2, DIGENIC; FSHD2, DIGENIC. Identifiers: Orphanet 269, MedGen C1834671, MONDO:0008031, OMIM 158901.

Allele frequency attached by ClinVar (database versions not stated): gnomAD exomes below 0.00001 and 0.00001; TOPMed below 0.00001; gnomAD 0.00001; ExAC 0.00002; 1000 Genomes Project 30x 0.00016; 1000 Genomes Project 0.00020.
gnomAD v4.1: 4 of 1,612,640 alleles (0.00025%); highest among the groups gnomAD compares: South Asian, 0.0011%; no homozygotes.

Submissions (2):

GeneDx
Classification: Uncertain significance. Last evaluated: 2024-10-23. Review status: criteria provided, single submitter. Criteria: GeneDx Variant Classification Process June 2021. Collection method: clinical testing. Allele origin: germline. Affected: yes.
Comment: Not observed at significant frequency in large population cohorts (gnomAD); In silico analysis indicates that this missense variant does not alter protein structure/function; Has not been previously published as pathogenic or benign to our knowledge

Labcorp Genetics (formerly Invitae), Labcorp
Classification: Uncertain significance for Facioscapulohumeral muscular dystrophy 2. Last evaluated: 2023-07-17. Review status: criteria provided, single submitter. Criteria: Invitae Variant Classification Sherloc (09022015). Collection method: clinical testing. Allele origin: germline.
Comment: In summary, the available evidence is currently insufficient to determine the role of this variant in disease. Therefore, it has been classified as a Variant of Uncertain Significance. Advanced modeling of protein sequence and biophysical properties (such as structural, functional, and spatial information, amino acid conservation, physicochemical variation, residue mobility, and thermodynamic stability) performed at Invitae indicates that this missense variant is not expected to disrupt SMCHD1 protein function. ClinVar contains an entry for this variant (Variation ID: 1370891). This variant has not been reported in the literature in individuals affected with SMCHD1-related conditions. This variant is present in population databases (rs191410697, gnomAD 0.002%). This sequence change replaces isoleucine, which is neutral and non-polar, with valine, which is neutral and non-polar, at codon 1260 of the SMCHD1 protein (p.Ile1260Val).